The following is an entry in ClinVar:

NM_003742.4(ABCB11):c.3724C>A (p.Leu1242Ile)

Gene: ABCB11 (ATP binding cassette subfamily B member 11; minus strand). Cytogenetic location: 2q31.1.
Variant type: single nucleotide variant.
Coding change: c.3724C>A on transcript NM_003742.4 (MANE Select); coding-DNA position 3724, C replaced by A.
Protein change: p.Leu1242Ile; replaces leucine 1242 with isoleucine.
Molecular consequence: missense variant.
Genome position (GRCh38, 1-based): chr2:168,924,698, G>T on the plus strand (C>A on the coding strand, the complement: ABCB11 is on the minus strand). VCF-style: chr2-168924698-G-T. GRCh37 (hg19) VCF-style: chr2-169781208-G-T.
Other names: NM_003742.4:c.3724C>A; short protein forms L1242I.
Identifiers: ClinVar variation 3776832 (VCV003776832.2).
Genomic context (GRCh38, chr2:168,924,698, plus strand): 5'-TTAGAAATTCAACACTTACCTTTTCACTTTCTGTGTCTAAGGCAGAAGTGGCTTCATCTA[G>T]TAGCAAGATTTTAGGATCTCGTACAATGGCCCGAGCAATAGCAATGCGTTGTTTCTCCCC-3'
Protein context (NP_003733.2, residues 1232-1252): AIVRDPKILL[Leu1242Ile]DEATSALDTE

ClinVar aggregate classification (germline): Uncertain significance. Review status: criteria provided, multiple submitters, no conflicts (2 of 4 stars). 2 submissions from 2 submitters: Uncertain significance (2). Last evaluated 2026-04-14.

Conditions:
Familial intrahepatic cholestasis. Identifiers: Orphanet 284385, MedGen CN296401, MONDO:0017290.
Progressive familial intrahepatic cholestasis type 2. Identifiers: Orphanet 79304, MedGen C3489789, MONDO:0011156, OMIM 601847.

gnomAD v4.1: 2 of 1,613,826 alleles (0.00012%); highest among the groups gnomAD compares: Non-Finnish European, 0.00017%; no homozygotes.

Submissions (2):

Genomenon, Inc
Classification: Uncertain significance for Familial intrahepatic cholestasis. Last evaluated: 2026-04-14. Review status: criteria provided, single submitter. Criteria: Genomenon Sequence Variant Interpretation Standards - Updated. Collection method: curation. Allele origin: germline. Affected: yes.
Comment: ABCB11 p.Leu1242Ile (c.3724C>A) is a missense variant that changes the amino acid at residue 1242 from Leucine to Isoleucine. This variant has been observed in at least one proband with an ABCB11-related disorder (PMID:18395098). At least one splicing study demonstrated no effect on splicing (PMID:19101985). It is absent or not present at a significant frequency in gnomAD. In silico models predict that this variant is possibly or probably damaging. In conclusion, we classify ABCB11 p.Leu1242Ile (c.3724C>A) as a variant of uncertain significance.

Broad Center for Mendelian Genomics, Broad Institute of MIT and Harvard
Classification: Uncertain significance for Progressive familial intrahepatic cholestasis type 2. Last evaluated: 2025-01-22. Review status: criteria provided, single submitter. Criteria: ACMG Guidelines, 2015. Collection method: curation. Allele origin: germline. Inheritance: Autosomal recessive inheritance.
Comment: The p.Leu1242Ile variant in ABCB11 has been reported in three individuals with BSEP deficiency (PMID: 18395098, 34016879), segregated with disease in two affected relatives from one family (PMID: 18395098), and has been identified in 0.0002% (2/1179852) of European (non-Finnish) chromosomes by the Genome Aggregation Database (gnomAD; dbSNP ID: rs1295206443). Although this variant has been seen in the general population in a heterozygous state, its frequency is low enough to be consistent with a recessive carrier frequency. Of the 3 affected individuals, 1 was a compound heterozygote that carried a reported pathogenic variant with unknown phase, which increases the likelihood that the p.Leu1242Ile variant is pathogenic (Variation ID: 288726; PMID: 34016879). Computational prediction tools and conservation analyses suggest that this variant may impact the protein, though this information is not predictive enough to determine pathogenicity. In summary, while there is some suspicion for a pathogenic role, the clinical significance of this variant is uncertain. ACMG/AMP Criteria applied: PP3_moderate, PM2_supporting, PM3_Supporting (Richards 2015).

Literature cited by the submitters: PubMed 18395098 (cited by Genomenon, Inc); PubMed 19101985 (cited by Genomenon, Inc).